The following is an entry in ClinVar:

ClinVar aggregate classification (germline): Conflicting classifications of pathogenicity. Review status: criteria provided, conflicting classifications (1 of 4 stars). 3 submissions from 3 submitters: Uncertain significance (2); Likely benign (1). Last evaluated 2023-07-19.

Conditions:
Congenital contractural arachnodactyly (CCA). Also called: Arthrogryposis, distal, type 9; BEALS SYNDROME; Beals-Hecht syndrome. Identifiers: Orphanet 115, MedGen C0220668, MONDO:0007363, OMIM 121050.

Allele frequency attached by ClinVar (database versions not stated): gnomAD exomes below 0.00001 and 0.00001; TOPMed below 0.00001; ExAC 0.00002.
gnomAD v4.1: 2 of 1,611,668 alleles (0.00012%); highest among the groups gnomAD compares: African/African-American, 0.0013%; no homozygotes.

Submissions (3):

Labcorp Genetics (formerly Invitae), Labcorp
Classification: Likely benign for Congenital contractural arachnodactyly. Last evaluated: 2023-07-19. Review status: criteria provided, single submitter. Criteria: Invitae Variant Classification Sherloc (09022015). Collection method: clinical testing. Allele origin: germline.

AiLife Diagnostics
Classification: Uncertain significance. Last evaluated: 2021-11-02. Review status: criteria provided, single submitter. Criteria: ACMG Guidelines, 2015. Collection method: clinical testing. Allele origin: germline. Affected: yes. Observed: 1 variant allele.

GeneDx
Classification: Uncertain significance. Last evaluated: 2020-10-30. Review status: criteria provided, single submitter. Criteria: GeneDx Variant Classification Process June 2021. Collection method: clinical testing. Allele origin: germline. Affected: yes.
Comment: Has not been previously published as pathogenic or benign to our knowledge; Not observed at a significant frequency in large population cohorts (Lek et al., 2016); In silico analysis supports that this missense variant has a deleterious effect on protein structure/function; Although located in a calcium-binding EGF-like domain of the FBN2 gene, it does not affect a cysteine residue within this domain; cysteine substitutions in the calcium-binding EGF-like domains represent the majority of pathogenic missense changes associated with FBN2-related disorders (Frederic et al., 2009).

NM_001999.4(FBN2):c.7676C>T (p.Pro2559Leu)

Gene: FBN2 (fibrillin 2; minus strand). Cytogenetic location: 5q23.3.
Variant type: single nucleotide variant.
Coding change: c.7676C>T on transcript NM_001999.4 (MANE Select); coding-DNA position 7676, C replaced by T.
Protein change: p.Pro2559Leu; replaces proline 2559 with leucine.
Molecular consequence: missense variant.
Genome position (GRCh38, 1-based): chr5:128,274,602, G>A on the plus strand (C>T on the coding strand, the complement: FBN2 is on the minus strand). VCF-style: chr5-128274602-G-A. GRCh37 (hg19) VCF-style: chr5-127610294-G-A.
Other names: short protein forms P2559L.
Identifiers: ClinVar variation 1313622 (VCV001313622.6), dbSNP rs770193908, ClinGen allele CA3394050.